The following is an entry in ClinVar:

NM_201384.3(PLEC):c.13482_13483delinsGG (p.Thr4495Ala)

Gene: PLEC (plectin; minus strand). Cytogenetic location: 8q24.3.
Variant type: Indel.
Coding change: c.13482_13483delinsGG on transcript NM_201384.3 (MANE Select); coding-DNA positions 13482 to 13483, CA replaced by GG.
Protein change: p.Thr4495Ala; replaces threonine 4495 with alanine.
Molecular consequence: missense variant.
Genome position (GRCh38, 1-based): chr8:143,916,338-143,916,339, TG replaced by CC on the plus strand (CA replaced by GG on the coding strand, the reverse complement: PLEC is on the minus strand). VCF-style: chr8-143916338-TG-CC. GRCh37 (hg19) VCF-style: chr8-144990506-TG-CC.
Other names: c.13563_13564delinsGG, p.Thr4522Ala (NM_000445.5); c.13440_13441delinsGG, p.Thr4481Ala (NM_201378.4); c.13416_13417delinsGG, p.Thr4473Ala (NM_201379.3); c.13893_13894delinsGG, p.Thr4632Ala (NM_201380.4); c.13386_13387delinsGG, p.Thr4463Ala (NM_201381.3); c.13482_13483delinsGG, p.Thr4495Ala (NM_201382.4); c.13494_13495delinsGG, p.Thr4499Ala (NM_201383.3); c.13563_13564delinsGG (NM_000445.3); short protein forms T4463A, T4499A, T4473A, T4495A, T4481A, T4522A, T4632A.
Identifiers: ClinVar variation 647134 (VCV000647134.10), dbSNP rs1586744441, ClinGen allele CA915948720.
Genomic context (GRCh38, chr8:143,916,338, plus strand): 5'-TGGAGAAGCCGGAGCCGGTGGCGTCAAAGCTGCCGCGGCGGGAGCCGGCCCGGGAGCCGG[TG>CC]CGCGAGCCGGTGCGGGAGCCAGCGGTAGAGCCGGAGCCGCTGACGCTGTAGGGGCTGTAG-3'
Protein context (NP_958786.1, residues 4485-4505): STAGSRTGSR[Thr4495Ala]GSRAGSRRGS

ClinVar aggregate classification (germline): Uncertain significance. Review status: criteria provided, multiple submitters, no conflicts (2 of 4 stars). 2 submissions from 2 submitters: Uncertain significance (2). Last evaluated 2026-04-02.

Conditions:
Epidermolysis bullosa simplex 5B, with muscular dystrophy (EBS5B). Also called: EPIDERMOLYSIS BULLOSA SIMPLEX AND LIMB-GIRDLE MUSCULAR DYSTROPHY; Epidermolysis bullosa simplex with muscular dystrophy. Identifiers: Orphanet 257, MedGen C2931072, MONDO:0009181, OMIM 226670.
Autosomal recessive limb-girdle muscular dystrophy type 2Q (LGMDR17). Also called: MUSCULAR DYSTROPHY, LIMB-GIRDLE, AUTOSOMAL RECESSIVE 17. Identifiers: Orphanet 254361, MedGen C3150989, MONDO:0013390, OMIM 613723.
Epidermolysis bullosa simplex 5C, with pyloric atresia (EBS5C). Also called: PLEC-Related Epidermolysis Bullosa with Pyloric Atresia; Epidermolysis bullosa simplex with pyloric atresia; PLEC1-Related Epidermolysis Bullosa with Pyloric Atresia. Identifiers: Orphanet 158684, MedGen C2677349, MONDO:0012807, OMIM 612138.
Epidermolysis bullosa simplex with nail dystrophy (EBS5D). Identifiers: MedGen C4225309, MONDO:0014661, OMIM 616487.
Epidermolysis bullosa simplex, Ogna type (EBS5A). Also called: Pidermolysis bullosa simplex 5A, Ogna type; EPIDERMOLYSIS BULLOSA SIMPLEX 5A, OGNA TYPE. Identifiers: Orphanet 79401, MedGen C0432317, MONDO:0007555, OMIM 131950.

Submissions (2):

GeneDx
Classification: Uncertain significance. Last evaluated: 2026-04-02. Review status: criteria provided, single submitter. Criteria: GeneDx Variant Classification Process June 2021. Collection method: clinical testing. Allele origin: germline.
Comment: In silico analysis supports a deleterious effect on protein structure/function; Missense variant in a gene in which most reported pathogenic variants are truncating/loss of function; Has not been previously published as pathogenic or benign to our knowledge

Labcorp Genetics (formerly Invitae), Labcorp
Classification: Uncertain significance for Autosomal recessive limb-girdle muscular dystrophy type 2Q; Epidermolysis bullosa simplex, Ogna type; Epidermolysis bullosa simplex with nail dystrophy; Epidermolysis bullosa simplex 5C, with pyloric atresia; Epidermolysis bullosa simplex 5B, with muscular dystrophy. Last evaluated: 2025-10-16. Review status: criteria provided, single submitter. Criteria: Invitae Variant Classification Sherloc (09022015). Collection method: clinical testing. Allele origin: germline.
Comment: This sequence change replaces threonine, which is neutral and polar, with alanine, which is neutral and non-polar, at codon 4522 of the PLEC protein (p.Thr4522Ala). Information on the frequency of this variant in the gnomAD database is not available, as this variant may be reported differently in the database. This missense change has been observed in individual(s) with clinical features of limb-girdle muscular dystrophy (internal data). ClinVar contains an entry for this variant (Variation ID: 647134). Experimental studies and prediction algorithms are not available or were not evaluated, and the functional significance of this variant is currently unknown. In summary, the available evidence is currently insufficient to determine the role of this variant in disease. Therefore, it has been classified as a Variant of Uncertain Significance.